The following is an entry in ClinVar:

ClinVar aggregate classification (germline): Benign/Likely benign. Review status: criteria provided, multiple submitters, no conflicts (2 of 4 stars). 14 submissions from 14 submitters: Benign (6); Likely benign (4). 4 of the submissions do not count toward it. Last evaluated 2026-09-01.

Conditions:
TBC1D24-related disorder. Also called: TBC1D24-related disorders; TBC1D24-related condition. Identifiers: MedGen CN381194.
Autosomal dominant nonsyndromic hearing loss 65. Also called: Deafness, autosomal dominant 65; TBC1D24-Related Autosomal Dominant Nonsyndromic Hearing Loss (DFNA). Identifiers: Orphanet 90635, MedGen C3892048, MONDO:0014470, OMIM 616044.
Developmental and epileptic encephalopathy, 1 (DEE1). Also called: INFANTILE SPASM SYNDROME, X-LINKED 1; OHTAHARA SYNDROME, X-LINKED; X-linked infantile spasms; West's syndrome; Tonic spasms with clustering, arrest of psychomotor development and hypsarrhythmia on EEG; X-Linked Infantile Spasm Syndrome. Identifiers: MedGen C3463992, MONDO:0010632, OMIM 308350. Disease mechanism: loss of function.
Inborn genetic diseases. Identifiers: MedGen C0950123, MeSH D030342.
Familial infantile myoclonic epilepsy (FIME). Also called: TBC1D24-Related Familial Infantile Myoclonic Epilepsy (FIME); Epilepsy, Myoclonic, Infantile. Identifiers: Orphanet 352582, MedGen C0917800, MONDO:0011506, OMIM 605021.

Allele frequency attached by ClinVar (database versions not stated): gnomAD 0.00038 and 0.00067; TOPMed 0.00043; ESP Exome Variant Server 0.00078; gnomAD exomes 0.00112 and 0.00143; 1000 Genomes Project 30x 0.00141; ExAC 0.00156; 1000 Genomes Project 0.00160.
gnomAD v4.1: 1,720 of 1,613,474 alleles (0.11%); highest among the groups gnomAD compares: South Asian, 0.73%; 11 homozygotes.

Submissions (14):

CeGaT Center for Human Genetics Tuebingen
Classification: Likely benign. Last evaluated: 2026-09-01. Review status: criteria provided, single submitter. Criteria: CeGaT Center For Human Genetics Tuebingen Variant Classification Criteria Version 2. Collection method: clinical testing. Allele origin: germline. Affected: yes. Observed: 12 variant alleles.
Comment: TBC1D24: BP4, BP7

Labcorp Genetics (formerly Invitae), Labcorp
Classification: Benign for Developmental and epileptic encephalopathy, 1; Autosomal dominant nonsyndromic hearing loss 65. Last evaluated: 2026-01-20. Review status: criteria provided, single submitter. Criteria: Invitae Variant Classification Sherloc (09022015). Collection method: clinical testing. Allele origin: germline.

Blueprint Genetics
Classification: Likely benign. Last evaluated: 2024-11-06. Review status: criteria provided, single submitter. Criteria: ACMG Guidelines, 2015. Collection method: clinical testing. Allele origin: germline.

Eurofins Ntd Llc (ga)
Classification: Benign. Last evaluated: 2018-04-04. Review status: criteria provided, single submitter. Criteria: EGL ClinVar v180209 classification definitions. Collection method: clinical testing. Allele origin: germline. Observed: 1 variant allele, 1 heterozygote.

Illumina Laboratory Services, Illumina
Classification: Likely benign for Familial infantile myoclonic epilepsy. Last evaluated: 2018-01-12. Review status: criteria provided, single submitter. Criteria: ICSL Variant Classification Criteria 13 December 2019. Collection method: clinical testing. Allele origin: germline.
Comment: This variant was observed in the ICSL laboratory as part of a predisposition screen in an ostensibly healthy population. It had not been previously curated by ICSL or reported in the Human Gene Mutation Database (HGMD: prior to June 1st, 2018), and was therefore a candidate for classification through an automated scoring system. Utilizing variant allele frequency, disease prevalence and penetrance estimates, and inheritance mode, an automated score was calculated to assess if this variant is too frequent to cause the disease. Based on the score and internal cut-off values, a variant classified as likely benign is not then subjected to further curation. The score for this variant resulted in a classification of likely benign for this disease.

Genetic Services Laboratory, University of Chicago
Classification: Benign. Last evaluated: 2017-07-06. Review status: criteria provided, single submitter. Criteria: ACMG Guidelines, 2015. Collection method: clinical testing. Allele origin: germline. Affected: no.

Athena Diagnostics
Classification: Benign. Last evaluated: 2017-01-24. Review status: criteria provided, single submitter. Criteria: Athena Diagnostics Criteria. Collection method: clinical testing. Allele origin: germline.

Ambry Genetics
Classification: Likely benign for Inborn genetic diseases. Last evaluated: 2016-07-08. Review status: criteria provided, single submitter. Criteria: Ambry Variant Classification Scheme 2023. Collection method: clinical testing. Allele origin: germline.

Laboratory for Molecular Medicine, Mass General Brigham Personalized Medicine
Classification: Benign. Last evaluated: 2016-06-02. Review status: criteria provided, single submitter. Criteria: LMM Criteria. Collection method: clinical testing. Allele origin: germline. Observed: 3 variant alleles.
Comment: p.Thr68Thr in exon 2 of TBC1D24: This variant is not expected to have clinical s ignificance because it does not alter an amino acid residue and is not located w ithin the splice consensus sequence. It has been identified in 0.7% (123/16504) of South Asian chromosomes including 2 homozygotes by the Exome Aggregation Cons ortium (ExAC; dbSNP rs201374999).

GeneDx
Classification: Benign. Last evaluated: 2014-05-16. Review status: criteria provided, single submitter. Criteria: GeneDx Variant Classification (06012015). Collection method: clinical testing. Allele origin: germline. Affected: yes.
Comment: This variant is considered likely benign or benign based on one or more of the following criteria: it is a conservative change, it occurs at a poorly conserved position in the protein, it is predicted to be benign by multiple in silico algorithms, and/or has population frequency not consistent with disease.

PreventionGenetics, part of Exact Sciences
Classification: Likely benign for TBC1D24-related condition. Last evaluated: 2019-03-22. Review status: no assertion criteria provided. Collection method: clinical testing. Allele origin: germline. Not counted in ClinVar's aggregate classification.
Comment: This variant is classified as likely benign based on ACMG/AMP sequence variant interpretation guidelines (Richards et al. 2015 PMID: 25741868, with internal and published modifications).

Clinical Genetics DNA and cytogenetics Diagnostics Lab, Erasmus MC, Erasmus Medical Center
Classification: Likely benign. Review status: no assertion criteria provided. Collection method: clinical testing. Allele origin: germline. Affected: yes. Study: VKGL Data-share Consensus. Not counted in ClinVar's aggregate classification.

Diagnostic Laboratory, Department of Genetics, University Medical Center Groningen
Classification: Likely benign. Review status: no assertion criteria provided. Collection method: clinical testing. Allele origin: germline. Affected: yes. Study: VKGL Data-share Consensus. Not counted in ClinVar's aggregate classification.

Genome Diagnostics Laboratory, University Medical Center Utrecht
Classification: Likely benign. Review status: no assertion criteria provided. Collection method: clinical testing. Allele origin: germline. Affected: yes. Study: VKGL Data-share Consensus. Not counted in ClinVar's aggregate classification.

NM_001199107.2(TBC1D24):c.204G>A (p.Thr68=)

Gene: TBC1D24 (TBC1 domain family member 24; plus strand). Cytogenetic location: 16p13.3.
Variant type: single nucleotide variant.
Coding change: c.204G>A on transcript NM_001199107.2 (MANE Select); coding-DNA position 204, G replaced by A.
Protein change: p.Thr68=; no amino-acid change (threonine 68 retained).
Molecular consequence: synonymous variant.
Genome position (GRCh38, 1-based): chr16:2,496,352, G>A. VCF-style: chr16-2496352-G-A. GRCh37 (hg19) VCF-style: chr16-2546353-G-A.
Other names: p.T68T:ACG>ACA; p.Thr68Thr; c.204G>A, p.Thr68= (NM_020705.3).
Identifiers: ClinVar variation 139393 (VCV000139393.68), dbSNP rs201374999, ClinGen allele CA293860.